The following is an entry in ClinVar:

NM_001127453.2(GSDME):c.830C>T (p.Ser277Phe)

Gene: GSDME (gasdermin E; minus strand). Cytogenetic location: 7p15.3.
Variant type: single nucleotide variant.
Coding change: c.830C>T on transcript NM_001127453.2 (MANE Select); coding-DNA position 830, C replaced by T.
Protein change: p.Ser277Phe; replaces serine 277 with phenylalanine.
Molecular consequence: missense variant.
Genome position (GRCh38, 1-based): chr7:24,710,256, G>A on the plus strand (C>T on the coding strand, the complement: GSDME is on the minus strand). VCF-style: chr7-24710256-G-A. GRCh37 (hg19) VCF-style: chr7-24749875-G-A.
Other names: c.338C>T, p.Ser113Phe (NM_001127454.2); c.830C>T, p.Ser277Phe (NM_004403.3); short protein forms S277F, S113F.
Identifiers: ClinVar variation 228559 (VCV000228559.5), dbSNP rs375794218, ClinGen allele CA4191549.

ClinVar aggregate classification (germline): Uncertain significance. Review status: criteria provided, multiple submitters, no conflicts (2 of 4 stars). 2 submissions from 2 submitters: Uncertain significance (2). Last evaluated 2024-12-25.

Conditions:
Inborn genetic diseases. Identifiers: MedGen C0950123, MeSH D030342.

Allele frequency attached by ClinVar (database versions not stated): ExAC 0.00002; gnomAD exomes 0.00002 and 0.00003; TOPMed 0.00004; gnomAD 0.00005 and 0.00006; ESP Exome Variant Server 0.00008.
gnomAD v4.1: 55 of 1,614,006 alleles (0.0034%); highest among the groups gnomAD compares: East Asian, 0.0089%; no homozygotes.

Submissions (2):

Ambry Genetics
Classification: Uncertain significance for Inborn genetic diseases. Last evaluated: 2024-12-25. Review status: criteria provided, single submitter. Criteria: Ambry Variant Classification Scheme 2023. Collection method: clinical testing. Allele origin: germline.

Laboratory for Molecular Medicine, Mass General Brigham Personalized Medicine
Classification: Uncertain significance. Last evaluated: 2015-11-24. Review status: criteria provided, single submitter. Criteria: LMM Criteria. Collection method: clinical testing. Allele origin: germline. Observed: 1 variant allele.
Comment: The p.Ser277Phe variant in DFNA5 has not been previously reported in individuals with hearing loss, but has been identified in 3/121410 of chromosomes by the Ex ome Aggregation Consortium (ExAC; dbSNP rs375794 218). Although this variant has been seen in the general population, its freque ncy is not high enough to rule out a pathogenic role. Computational prediction t ools and conservation analyses suggest that the p.Ser277Phe variant may not impa ct the protein, though this information is not predictive enough to rule out pat hogenicity. In summary, the clinical significance of the p.Ser277Phe variant is uncertain.